The following is an entry in ClinVar:

NM_001005361.3(DNM2):c.-23_12del (p.Met1fs)

Genes: DNM2 (dynamin 2; plus strand), LOC130063529 (ATAC-STARR-seq lymphoblastoid silent region 10090; plus strand). Cytogenetic location: 19p13.2.
Variant type: Deletion.
Coding change: c.-23_12del on transcript NM_001005361.3 (MANE Select); 23 bases upstream of the start codon through coding-DNA position 12, 35 bases deleted.
Protein change: p.Met1fs; shifts the reading frame from methionine 1.
Molecular consequence: frameshift variant, initiator codon variant.
Genome position (GRCh38, 1-based): chr19:10,718,220-10,718,254, 35 bases deleted; deleting any 35 consecutive bases within chr19:10,718,217-10,718,254 gives the same sequence; the c. name uses the placement nearest the transcript's 3' end. GRCh37 (hg19): chr19:10,828,896-10,828,930.
Other names: c.-23_12del, p.Met1fs (NM_001005360.3, NM_001005362.3, NM_001190716.2 and 1 more transcripts); short protein forms M1fs.
Identifiers: ClinVar variation 2995862 (VCV002995862.3), dbSNP rs2512931088, ClinGen allele CA2582426836.
Genomic context (GRCh38, chr19:10,718,216, plus strand): 5'-ACGGCTACAGACGCCGCGGGGCCAGGTCGTTGAGGGTCGGCGGCGGGCGAGGAGCGCAGG[GCGCTCGGGCCGGGGGCCGCCGGCGCCATGGGCAAC>G]CGCGGGATGGAAGAGCTGATCCCGCTGGTCAACAAACTGCAGGACGCCTTCAGCTCCATC-3'

ClinVar aggregate classification (germline): Uncertain significance (1 of 4 stars; one submission).

Conditions:
Charcot-Marie-Tooth disease dominant intermediate B (CMTDIB). Also called: CHARCOT-MARIE-TOOTH NEUROPATHY, DOMINANT INTERMEDIATE B; Charcot-Marie-Tooth disease dominant intermediate 1; CMT DI1; Charcot-Marie-Tooth disease dominant intermediate I. Identifiers: Orphanet 100044, Orphanet 228179, MedGen C1847902, MONDO:0011674, OMIM 606482.

Submission:

Labcorp Genetics (formerly Invitae), Labcorp
Classification: Uncertain significance for Charcot-Marie-Tooth disease dominant intermediate B. Last evaluated: 2024-10-22. Review status: criteria provided, single submitter. Criteria: Invitae Variant Classification Sherloc (09022015). Collection method: clinical testing. Allele origin: germline.
Comment: This sequence change affects the initiator methionine of the DNM2 mRNA. The next in-frame methionine is located at codon 6. This variant is not present in population databases (gnomAD no frequency). This variant has not been reported in the literature in individuals affected with DNM2-related conditions. Experimental studies and prediction algorithms are not available or were not evaluated, and the functional significance of this variant is currently unknown. In summary, the available evidence is currently insufficient to determine the role of this variant in disease. Therefore, it has been classified as a Variant of Uncertain Significance.